The following is an entry in ClinVar:

NM_016553.5(NUP62):c.991G>A (p.Ala331Thr)

Genes: IL4I1 (interleukin 4 induced 1; minus strand), NUP62 (nucleoporin 62; minus strand). Cytogenetic location: 19q13.33.
Variant type: single nucleotide variant.
Coding change: c.991G>A on transcript NM_016553.5 (MANE Select); coding-DNA position 991, G replaced by A.
Protein change: p.Ala331Thr; replaces alanine 331 with threonine.
Molecular consequence: missense variant. On other transcripts: intron variant (3).
Genome position (GRCh38, 1-based): chr19:49,908,817, C>T on the plus strand (G>A on the coding strand, the complement: NUP62 is on the minus strand). VCF-style: chr19-49908817-C-T. GRCh37 (hg19) VCF-style: chr19-50412074-C-T.
Other names: c.991G>A, p.Ala331Thr (NM_001193357.2, NM_012346.5, NM_153718.4 and 1 more transcripts); c.-227-4496G>A (NM_001258017.2, NM_172374.3); c.-285-4496G>A (NM_001258018.2); short protein forms A331T.
Identifiers: ClinVar variation 1435922 (VCV001435922.9), dbSNP rs574014123, ClinGen allele CA9588973.

ClinVar aggregate classification (germline): Uncertain significance. Review status: criteria provided, multiple submitters, no conflicts (2 of 4 stars). 2 submissions from 2 submitters: Uncertain significance (2). Last evaluated 2025-06-15.

Allele frequency attached by ClinVar (database versions not stated): gnomAD 0.00004 and 0.00003; gnomAD exomes 0.00009 and 0.00012; TOPMed 0.00005; ExAC 0.00018.
gnomAD v4.1: 133 of 1,613,430 alleles (0.0082%); highest among the groups gnomAD compares: Middle Eastern, 0.016%; no homozygotes.

Submissions (2):

Labcorp Genetics (formerly Invitae), Labcorp
Classification: Uncertain significance. Last evaluated: 2025-06-15. Review status: criteria provided, single submitter. Criteria: Invitae Variant Classification Sherloc (09022015). Collection method: clinical testing. Allele origin: germline.
Comment: This sequence change replaces alanine, which is neutral and non-polar, with threonine, which is neutral and polar, at codon 331 of the NUP62 protein (p.Ala331Thr). This variant is present in population databases (rs574014123, gnomAD 0.02%). This variant has not been reported in the literature in individuals affected with NUP62-related conditions. ClinVar contains an entry for this variant (Variation ID: 1435922). An algorithm developed to predict the effect of missense changes on protein structure and function (PolyPhen-2) suggests that this variant is likely to be tolerated. In summary, the available evidence is currently insufficient to determine the role of this variant in disease. Therefore, it has been classified as a Variant of Uncertain Significance.

Ambry Genetics
Classification: Uncertain significance. Last evaluated: 2021-07-14. Review status: criteria provided, single submitter. Criteria: Ambry Variant Classification Scheme 2023. Collection method: clinical testing. Allele origin: germline.